The following is an entry in ClinVar:

NM_001355436.2(SPTB):c.5695C>A (p.Leu1899Ile)

Gene: SPTB (spectrin beta, erythrocytic; minus strand). Cytogenetic location: 14q23.3.
Variant type: single nucleotide variant.
Coding change: c.5695C>A on transcript NM_001355436.2 (MANE Select); coding-DNA position 5695, C replaced by A.
Protein change: p.Leu1899Ile; replaces leucine 1899 with isoleucine.
Molecular consequence: missense variant.
Genome position (GRCh38, 1-based): chr14:64,770,988, G>T on the plus strand (C>A on the coding strand, the complement: SPTB is on the minus strand). VCF-style: chr14-64770988-G-T. GRCh37 (hg19) VCF-style: chr14-65237706-G-T.
Other names: c.5695C>A, p.Leu1899Ile (NM_001024858.4, NM_001355437.2); short protein forms L1899I.
Identifiers: ClinVar variation 2629395 (VCV002629395.1), dbSNP rs763349032, ClinGen allele CA7229888.

ClinVar aggregate classification (germline): Uncertain significance (1 of 4 stars; one submission).

Conditions:
SPTB-related disorder. Also called: SPTB-related condition; SPTB-Related Disorders.

Allele frequency attached by ClinVar (database versions not stated): gnomAD exomes below 0.00001; ExAC 0.00001.
gnomAD v4.1: 2 of 1,614,146 alleles (0.00012%); highest among the groups gnomAD compares: Admixed American, 0.0033%; no homozygotes.

Submission:

PreventionGenetics, part of Exact Sciences
Classification: Uncertain significance for SPTB-related condition. Last evaluated: 2023-07-05. Review status: criteria provided, single submitter. Criteria: ACMG Guidelines, 2015. Collection method: clinical testing. Allele origin: germline.
Comment: The SPTB c.5695C>A variant is predicted to result in the amino acid substitution p.Leu1899Ile. To our knowledge, this variant has not been reported in the literature. This variant is reported in 0.0058% of alleles in individuals of Latino descent in gnomAD. At this time, the clinical significance of this variant is uncertain due to the absence of conclusive functional and genetic evidence.